The following is an entry in ClinVar:

ClinVar aggregate classification (germline): Uncertain significance (1 of 4 stars; one submission).

Conditions:
DPAGT1-congenital disorder of glycosylation. Also called: CONGENITAL DISORDER OF GLYCOSYLATION, TYPE Ij; CDG Ij; DPAGT1-CDG. Identifiers: Orphanet 86309, MedGen C2931004, MONDO:0011964, OMIM 608093.
Congenital myasthenic syndrome 13 (CMS13). Also called: Myasthenic syndrome, congenital, with tubular aggregates 2; Myasthenic syndrome, congenital, 13, with tubular aggregates. Identifiers: Orphanet 353327, Orphanet 590, MedGen C3553645, MONDO:0013883, OMIM 614750.

gnomAD v4.1: 1 of 1,614,192 alleles (0.000062%); no homozygotes.

Submission:

Labcorp Genetics (formerly Invitae), Labcorp
Classification: Uncertain significance for Congenital myasthenic syndrome 13; DPAGT1-congenital disorder of glycosylation. Last evaluated: 2018-01-13. Review status: criteria provided, single submitter. Criteria: Invitae Variant Classification Sherloc (09022015). Collection method: clinical testing. Allele origin: germline.
Comment: In summary, this variant is a novel missense change with uncertain impact on protein function. It has been classified as a Variant of Uncertain Significance. Algorithms developed to predict the effect of missense changes on protein structure and function do not agree on the potential impact of this missense change (SIFT: "Deleterious"; PolyPhen-2: "Benign"; Align-GVGD: "Class C25"). This variant is not present in population databases (ExAC no frequency) and has not been reported in the literature in individuals with a DPAGT1-related disease. This sequence change replaces valine with alanine at codon 336 of the DPAGT1 protein (p.Val336Ala). The valine residue is highly conserved and there is a small physicochemical difference between valine and alanine.

NM_001382.4(DPAGT1):c.1007T>C (p.Val336Ala)

Gene: DPAGT1 (dolichyl-phosphate N-acetylglucosaminephosphotransferase 1; minus strand). Cytogenetic location: 11q23.3.
Variant type: single nucleotide variant.
Coding change: c.1007T>C on transcript NM_001382.4 (MANE Select); coding-DNA position 1007, T replaced by C.
Protein change: p.Val336Ala; replaces valine 336 with alanine.
Molecular consequence: missense variant.
Genome position (GRCh38, 1-based): chr11:119,097,296, A>G on the plus strand (T>C on the coding strand, the complement: DPAGT1 is on the minus strand). VCF-style: chr11-119097296-A-G. GRCh37 (hg19) VCF-style: chr11-118968006-A-G.
Other names: short protein forms V336A.
Identifiers: ClinVar variation 473241 (VCV000473241.8), dbSNP rs1555207196, ClinGen allele CA382909188.
Genomic context (GRCh38, chr11:119,097,296, plus strand): 5'-GTGAATTCACCATCTTCAGTCTCACTCTGGTGTACTGTCACCAGCTGGAGGCTCTCTGCC[A>G]CCTGGAGGGACCAGAGGTGAAGAGAACCTCAGCTAATACCTATGCTTTAGGAATGTGGAT-3'
Protein context (NP_001373.2, residues 326-346): LSFLGTFILK[Val336Ala]AESLQLVTVH